The following is an entry in ClinVar:

ClinVar aggregate classification (germline): Uncertain significance (1 of 4 stars; one submission).

Conditions:
Wilson disease (WND). Also called: Wilson's disease. Identifiers: Orphanet 905, MedGen C0019202, MONDO:0010200, OMIM 277900. Disease mechanism: loss of function.

Submission:

Color Diagnostics, LLC DBA Color Health
Classification: Uncertain significance for Wilson disease. Last evaluated: 2025-06-24. Review status: criteria provided, single submitter. Criteria: ACMG Guidelines, 2015. Collection method: clinical testing. Allele origin: germline.
Comment: This variant causes a T to C nucleotide substitution at the -6 position of intron 4/20 of the ATP7B gene. To our knowledge, RNA studies have not been reported for this variant. This variant has not been reported in individuals affected with ATP7B-related disorders in the literature. This variant has not been identified in the general population by the Genome Aggregation Database (gnomAD). The available evidence is insufficient to determine the role of this variant in disease conclusively. Therefore, this variant is classified as a Variant of Uncertain Significance.

NM_000053.4(ATP7B):c.1708-6T>C

Gene: ATP7B (ATPase copper transporting beta; minus strand). Cytogenetic location: 13q14.3.
Variant type: single nucleotide variant.
Coding change: c.1708-6T>C on transcript NM_000053.4 (MANE Select); 6 bases into the intron before coding-DNA position 1708, T replaced by C.
Molecular consequence: intron variant.
Genome position (GRCh38, 1-based): chr13:51,965,039, A>G on the plus strand (T>C on the coding strand, the complement: ATP7B is on the minus strand). VCF-style: chr13-51965039-A-G. GRCh37 (hg19) VCF-style: chr13-52539175-A-G.
Other names: c.1708-6T>C (NM_001406527.1, NM_001406537.1, NM_001406521.1 and 24 more transcripts); c.1612-6T>C (NM_001406543.1, NM_001406518.1, NM_001406544.1 and 3 more transcripts); c.1375-6T>C (NM_001243182.2); c.1285+8896T>C (NM_001406548.1); c.1675-6T>C (NM_001406524.1, NM_001406514.1); c.1707+3405T>C (NM_001406547.1, NM_001406545.1); c.1279-6T>C (NM_001406539.1).
Identifiers: ClinVar variation 4757230 (VCV004757230.1).
Genomic context (GRCh38, chr13:51,965,039, plus strand): 5'-TCGTGAGTTTGGACTCTATGTTGTGGACACAGGACGCGCAGGTCATCCCTGTGATCTGCA[A>G]CACAGGATGGCAAGAATCCCACAGACCCAGGATCAAGGAAAGCCTGTGAAAGCCAGTCCA-3'